The following is an entry in ClinVar:

ClinVar aggregate classification (germline): Uncertain significance (1 of 4 stars; one submission).

Submission:

Labcorp Genetics (formerly Invitae), Labcorp
Classification: Uncertain significance. Last evaluated: 2025-06-24. Review status: criteria provided, single submitter. Criteria: Invitae Variant Classification Sherloc (09022015). Collection method: clinical testing. Allele origin: germline.
Comment: This variant, c.1303_1305del, results in the deletion of 1 amino acid(s) of the FMN1 protein (p.Lys435del), but otherwise preserves the integrity of the reading frame. This variant is present in population databases (rs759015237, gnomAD 0.03%). This variant has not been reported in the literature in individuals affected with FMN1-related conditions. ClinVar contains an entry for this variant (Variation ID: 1416565). Experimental studies and prediction algorithms are not available or were not evaluated, and the functional significance of this variant is currently unknown. In summary, the available evidence is currently insufficient to determine the role of this variant in disease. Therefore, it has been classified as a Variant of Uncertain Significance.

NM_001277313.2(FMN1):c.2044-1508_2044-1506del

Gene: FMN1 (formin 1; minus strand). Cytogenetic location: 15q13.3.
Variant type: Deletion.
Coding change: c.2044-1508_2044-1506del on transcript NM_001277313.2 (MANE Select); 1508 bases into the intron before coding-DNA position 2044 through 1506 bases into the intron before coding-DNA position 2044, 3 bases deleted (AAG; older notation c.2044-1508_2044-1506delAAG).
Molecular consequence: intron variant. On other transcripts: inframe deletion (1).
Genome position (GRCh38, 1-based): chr15:33,066,580-33,066,582, CTT deleted on the plus strand (AAG on the coding strand, the reverse complement: FMN1 is on the minus strand); deleting any 3 consecutive bases within chr15:33,066,580-33,066,584 gives the same sequence; the c. name uses the placement nearest the transcript's 3' end. VCF-style (leftmost placement, unchanged base first): chr15-33066579-CCTT-C. GRCh37 (hg19) VCF-style: chr15-33358780-CCTT-C.
Other names: c.1303_1305del, p.Lys435del (NM_001103184.4); short protein forms K435del.
Identifiers: ClinVar variation 1416565 (VCV001416565.8), dbSNP rs759015237, ClinGen allele CA7457126.
Genomic context (GRCh38, chr15:33,066,579, plus strand): 5'-AATCAGAGGGGCCATCCGCTGGCTTAGAATTGGACCGTTCAAACACAGCTCTTAGCGACT[CCTT>C]CTCATGTCTCATCTTGCGCTTGAGAGCTTCCAGCTCAGAGGTGTCAGCTGTGGTCCCCTT-3'